The following is an entry in ClinVar:

NM_000722.4(CACNA2D1):c.3076+1G>A

Gene: CACNA2D1 (calcium voltage-gated channel auxiliary subunit alpha2delta 1; minus strand). Cytogenetic location: 7q21.11.
Variant type: single nucleotide variant.
Coding change: c.3076+1G>A on transcript NM_000722.4 (MANE Select); the canonical splice donor site of the intron after coding-DNA position 3076, G replaced by A.
Molecular consequence: splice donor variant.
Genome position (GRCh38, 1-based): chr7:81,959,719, C>T on the plus strand (G>A on the coding strand, the complement: CACNA2D1 is on the minus strand). VCF-style: chr7-81959719-C-T. GRCh37 (hg19) VCF-style: chr7-81589035-C-T.
Other names: c.3112+1G>A (NM_001366867.1).
Identifiers: ClinVar variation 3994519 (VCV003994519.1).
Genomic context (GRCh38, chr7:81,959,719, plus strand): 5'-CAAGATTCAAAATGCATTAAGATGGTTTTCCTTTCCAGATAGCTCTGATGTCAAAGGATA[C>T]AAGTCTGCTCCGCTTGTATGAGCAGTCGTGTGTCACATGGACATGTCCCTTTGCTCTCAA-3'

ClinVar aggregate classification (germline): Uncertain significance (1 of 4 stars; one submission).

Conditions:
Cardiovascular phenotype. Identifiers: MedGen CN230736.

Submission:

Ambry Genetics
Classification: Uncertain significance for Cardiovascular phenotype. Last evaluated: 2025-03-31. Review status: criteria provided, single submitter. Criteria: Ambry Variant Classification Scheme 2023. Collection method: clinical testing. Allele origin: germline.
Comment: The c.3076+1G>A intronic variant results from a G to A substitution one nucleotide after coding exon 37 of the CACNA2D1 gene. This nucleotide position is highly conserved in available vertebrate species. In silico splice site analysis predicts that this alteration may weaken the native splice donor site. Alterations that disrupt the canonical splice site are expected to cause aberrant splicing, resulting in an abnormal protein or a transcript that is subject to nonsense-mediated mRNA decay. However, loss of function of CACNA2D1 has not been established as a mechanism of disease. The evidence for this gene-disease relationship is limited; therefore, the clinical significance of this alteration is unclear.